The following is an entry in ClinVar:

NM_001077418.3(TMEM231):c.439-33_538del

Gene: TMEM231 (transmembrane protein 231; minus strand). Cytogenetic location: 16q23.1.
Variant type: Deletion.
Coding change: c.439-33_538del on transcript NM_001077418.3 (MANE Select); 33 bases into the intron before coding-DNA position 439 through coding-DNA position 538, 133 bases deleted.
Molecular consequence: splice acceptor variant.
Genome position (GRCh38, 1-based): chr16:75,545,396-75,545,528, 133 bases deleted. GRCh37 (hg19): chr16:75,579,296-75,579,428.
Other names: c.598-33_697del (NM_001077416.2).
Identifiers: ClinVar variation 1993591 (VCV001993591.4), dbSNP rs2507328871, ClinGen allele CA2580092019.

ClinVar aggregate classification (germline): Likely pathogenic (1 of 4 stars; one submission).

Conditions:
Meckel syndrome, type 11 (MKS11). Identifiers: Orphanet 564, MedGen C3809352, MONDO:0014164, OMIM 615397.
Joubert syndrome 20 (JBTS20). Identifiers: Orphanet 475, MedGen C3554235, MONDO:0013994, OMIM 614970.

Submission:

Labcorp Genetics (formerly Invitae), Labcorp
Classification: Likely pathogenic for Joubert syndrome 20; Meckel syndrome, type 11. Last evaluated: 2025-07-22. Review status: criteria provided, single submitter. Criteria: Invitae Variant Classification Sherloc (09022015). Collection method: clinical testing. Allele origin: germline.
Comment: This variant results in the deletion of part of exon 3 (c.598-33_697del) of the TMEM231 gene. It is expected to disrupt RNA splicing. Variants that disrupt the donor or acceptor splice site typically lead to a loss of protein function (PMID: 16199547), and loss-of-function variants in TMEM231 are known to be pathogenic (PMID: 23012439, 23349226). This variant is not present in population databases (gnomAD no frequency). This variant has not been reported in the literature in individuals affected with TMEM231-related conditions. ClinVar contains an entry for this variant (Variation ID: 1993591). In summary, the currently available evidence indicates that the variant is pathogenic, but additional data are needed to prove that conclusively. Therefore, this variant has been classified as Likely Pathogenic.

Literature cited by the submitters: PubMed 16199547; PubMed 23012439; PubMed 23349226.